The following is an entry in ClinVar:

NM_014727.3(KMT2B):c.4043A>G (p.Asn1348Ser)

Gene: KMT2B (lysine methyltransferase 2B; plus strand). Cytogenetic location: 19q13.12.
Variant type: single nucleotide variant.
Coding change: c.4043A>G on transcript NM_014727.3 (MANE Select); coding-DNA position 4043, A replaced by G.
Protein change: p.Asn1348Ser; replaces asparagine 1348 with serine.
Molecular consequence: missense variant.
Genome position (GRCh38, 1-based): chr19:35,727,195, A>G. VCF-style: chr19-35727195-A-G. GRCh37 (hg19) VCF-style: chr19-36218096-A-G.
Other names: short protein forms N1348S.
Identifiers: ClinVar variation 1941137 (VCV001941137.5), dbSNP rs1482613248, ClinGen allele CA405413017.

ClinVar aggregate classification (germline): Conflicting classifications of pathogenicity. Review status: criteria provided, conflicting classifications (1 of 4 stars). 2 submissions from 2 submitters: Uncertain significance (1); Likely benign (1). Last evaluated 2025-09-03.

Conditions:
Dystonia 28, childhood-onset (DYT28). Also called: KMT2B-Related Dystonia (DYT-KMT2B). Identifiers: Orphanet 589618, MedGen C4310633, MONDO:0015004, OMIM 617284.

Allele frequency attached by ClinVar (database versions not stated): gnomAD exomes 0.00001.
gnomAD v4.1: 8 of 1,613,554 alleles (0.0005%); highest among the groups gnomAD compares: Admixed American, 0.013%; no homozygotes.

Submissions (2):

Labcorp Genetics (formerly Invitae), Labcorp
Classification: Likely benign. Last evaluated: 2025-09-03. Review status: criteria provided, single submitter. Criteria: Invitae Variant Classification Sherloc (09022015). Collection method: clinical testing. Allele origin: germline.

Neuberg Centre For Genomic Medicine, NCGM
Classification: Uncertain significance for Dystonia 28, childhood-onset. Review status: criteria provided, single submitter. Criteria: ACMG Guidelines, 2015. Collection method: clinical testing. Allele origin: germline. Inheritance: Autosomal dominant inheritance. Affected: yes.
Comment: The c.4043A>G (p.Asn1348Ser) missense variant in KMT2B gene has not been reported previously as a pathogenic variant nor as a benign variant, to our knowledge. This variant is reported with the allele frequency (0.002%) in the gnomAD and novel in 1000 genome database. The amino acid Asn at position 1348 is changed to a Ser changing protein sequence and it might alter its composition and physico-chemical properties. The amino acid change p.Asn1348Ser in KMT2B is predicted as conserved by GERP++ and PhyloP across 100 vertebrates. For these reasons, this variant has been classified as Variant of Uncertain Significance (VUS).